The following is an entry in ClinVar:

NM_001282933.2(ZNF341):c.1771G>A (p.Gly591Arg)

Gene: ZNF341 (zinc finger protein 341; plus strand). Cytogenetic location: 20q11.22.
Variant type: single nucleotide variant.
Coding change: c.1771G>A on transcript NM_001282933.2 (MANE Select); coding-DNA position 1771, G replaced by A.
Protein change: p.Gly591Arg; replaces glycine 591 with arginine.
Molecular consequence: missense variant. On other transcripts: non-coding transcript variant (1).
Genome position (GRCh38, 1-based): chr20:33,783,783, G>A. VCF-style: chr20-33783783-G-A. GRCh37 (hg19) VCF-style: chr20-32371589-G-A.
Other names: c.1501G>A, p.Gly501Arg (NM_001282935.2); c.1750G>A, p.Gly584Arg (NM_032819.5); short protein forms G584R, G591R, G501R.
Identifiers: ClinVar variation 1437204 (VCV001437204.5), dbSNP rs139829835, ClinGen allele CA9819553.

ClinVar aggregate classification (germline): Uncertain significance (1 of 4 stars; one submission).

Allele frequency attached by ClinVar (database versions not stated): ExAC 0.00003; gnomAD exomes 0.00004 and 0.00009; gnomAD 0.00007; TOPMed 0.00007; ESP Exome Variant Server 0.00008.
gnomAD v4.1: 134 of 1,613,642 alleles (0.0083%); highest among the groups gnomAD compares: Non-Finnish European, 0.011%; no homozygotes.

Submission:

Labcorp Genetics (formerly Invitae), Labcorp
Classification: Uncertain significance. Last evaluated: 2022-04-04. Review status: criteria provided, single submitter. Criteria: Invitae Variant Classification Sherloc (09022015). Collection method: clinical testing. Allele origin: germline.
Comment: This sequence change replaces glycine, which is neutral and non-polar, with arginine, which is basic and polar, at codon 584 of the ZNF341 protein (p.Gly584Arg). This variant is present in population databases (rs139829835, gnomAD 0.008%). This variant has not been reported in the literature in individuals affected with ZNF341-related conditions. Algorithms developed to predict the effect of missense changes on protein structure and function are either unavailable or do not agree on the potential impact of this missense change (SIFT: "Deleterious"; PolyPhen-2: "Benign"; Align-GVGD: "Class C0"). In summary, the available evidence is currently insufficient to determine the role of this variant in disease. Therefore, it has been classified as a Variant of Uncertain Significance.